The following is an entry in ClinVar:

ClinVar aggregate classification (germline): Conflicting classifications of pathogenicity. Review status: criteria provided, conflicting classifications (1 of 4 stars). 9 submissions from 9 submitters: Uncertain significance (2); Benign (1); Likely benign (6). Last evaluated 2026-09-02.

Conditions:
Oligodontia-cancer predisposition syndrome. Also called: TOOTH AGENESIS-COLORECTAL CANCER SYNDROME. Identifiers: Orphanet 300576, MedGen C1837750, MONDO:0012075, OMIM 608615. Disease mechanism: loss of function.
Hereditary cancer-predisposing syndrome. Also called: Hereditary Cancer Syndrome; Neoplastic Syndromes, Hereditary; Tumor predisposition; Hereditary neoplastic syndrome. Identifiers: Orphanet 140162, MedGen C0027672, MeSH D009386, MONDO:0015356.
AXIN2-related disorder.

Allele frequency attached by ClinVar (database versions not stated): gnomAD below 0.00001 and 0.00017; TOPMed 0.00003; gnomAD exomes 0.00022 and 0.00041; ExAC 0.00042; 1000 Genomes Project 0.00060; 1000 Genomes Project 30x 0.00062.
gnomAD v4.1: 353 of 1,614,172 alleles (0.022%); highest among the groups gnomAD compares: South Asian, 0.37%; 4 homozygotes.

Submissions (9):

PreventionGenetics, part of Exact Sciences
Classification: Likely benign for AXIN2-related condition. Last evaluated: 2026-09-02. Review status: criteria provided, single submitter. Criteria: ACMG Guidelines, 2015. Collection method: clinical testing. Allele origin: germline.
Comment: This variant is classified as likely benign based on ACMG/AMP sequence variant interpretation guidelines (Richards et al. 2015 PMID: 25741868, with internal and published modifications).

Labcorp Genetics (formerly Invitae), Labcorp
Classification: Likely benign for Oligodontia-cancer predisposition syndrome. Last evaluated: 2026-01-28. Review status: criteria provided, single submitter. Criteria: Invitae Variant Classification Sherloc (09022015). Collection method: clinical testing. Allele origin: germline.

Center for Genomic Medicine, Rigshospitalet, Copenhagen University Hospital
Classification: Uncertain significance. Last evaluated: 2025-03-04. Review status: criteria provided, single submitter. Criteria: ACMG Guidelines, 2015. Collection method: clinical testing. Allele origin: germline.

Blueprint Genetics
Classification: Likely benign. Last evaluated: 2024-02-20. Review status: criteria provided, single submitter. Criteria: ACMG Guidelines, 2015. Collection method: clinical testing. Allele origin: germline.

Revvity Omics, Revvity
Classification: Uncertain significance for Oligodontia-cancer predisposition syndrome. Last evaluated: 2022-06-10. Review status: criteria provided, single submitter. Criteria: ACMG Guidelines, 2015. Collection method: clinical testing. Allele origin: germline.

Ambry Genetics
Classification: Likely benign for Hereditary cancer-predisposing syndrome. Last evaluated: 2021-10-08. Review status: criteria provided, single submitter. Criteria: Ambry Variant Classification Scheme 2023. Collection method: clinical testing. Allele origin: germline.

Sema4
Classification: Likely benign for Hereditary cancer-predisposing syndrome. Last evaluated: 2021-07-15. Review status: criteria provided, single submitter. Criteria: Sema4 Curation Guidelines. Collection method: curation. Allele origin: germline.

GeneDx
Classification: Likely benign. Last evaluated: 2018-12-12. Review status: criteria provided, single submitter. Criteria: GeneDx Variant Classification Process June 2021. Collection method: clinical testing. Allele origin: germline. Affected: yes.

Illumina Laboratory Services, Illumina
Classification: Benign for Oligodontia-cancer predisposition syndrome. Last evaluated: 2018-01-13. Review status: criteria provided, single submitter. Criteria: ICSL Variant Classification Criteria 13 December 2019. Collection method: clinical testing. Allele origin: germline.
Comment: This variant was observed in the ICSL laboratory as part of a predisposition screen in an ostensibly healthy population. It had not been previously curated by ICSL or reported in the Human Gene Mutation Database (HGMD: prior to June 1st, 2018), and was therefore a candidate for classification through an automated scoring system. Utilizing variant allele frequency, disease prevalence and penetrance estimates, and inheritance mode, an automated score was calculated to assess if this variant is too frequent to cause the disease. Based on the score and internal cut-off values, a variant classified as benign is not then subjected to further curation. The score for this variant resulted in a classification of benign for this disease.

NM_004655.4(AXIN2):c.629T>C (p.Met210Thr)

Gene: AXIN2 (axin 2; minus strand). Cytogenetic location: 17q24.1.
Variant type: single nucleotide variant.
Coding change: c.629T>C on transcript NM_004655.4 (MANE Select); coding-DNA position 629, T replaced by C.
Protein change: p.Met210Thr; replaces methionine 210 with threonine.
Molecular consequence: missense variant.
Genome position (GRCh38, 1-based): chr17:65,557,992, A>G on the plus strand (T>C on the coding strand, the complement: AXIN2 is on the minus strand). VCF-style: chr17-65557992-A-G. GRCh37 (hg19) VCF-style: chr17-63554110-A-G.
Other names: c.629T>C (LRG_296t1); c.629T>C, p.Met210Thr (NM_001363813.1); short protein forms M210T.
Identifiers: ClinVar variation 324682 (VCV000324682.28), dbSNP rs529954883, ClinGen allele CA8719018.